The following is an entry in ClinVar:

ClinVar aggregate classification (germline): Uncertain significance. Review status: criteria provided, multiple submitters, no conflicts (2 of 4 stars). 3 submissions from 3 submitters: Uncertain significance (3). Last evaluated 2025-12-23.

Conditions:
IFT88-related disorder. Also called: IFT88-related condition.

Allele frequency attached by ClinVar (database versions not stated): gnomAD exomes 0.00002 and 0.00010; ExAC 0.00015; gnomAD 0.00029 and 0.00031; TOPMed 0.00031; ESP Exome Variant Server 0.00046.
gnomAD v4.1: 76 of 1,610,670 alleles (0.0047%); highest among the groups gnomAD compares: African/African-American, 0.081%; no homozygotes.

Submissions (3):

PreventionGenetics, part of Exact Sciences
Classification: Uncertain significance for IFT88-related condition. Last evaluated: 2025-12-23. Review status: criteria provided, single submitter. Criteria: ACMG Guidelines, 2015. Collection method: clinical testing. Allele origin: germline.
Comment: The IFT88 c.1685A>C variant is predicted to result in the amino acid substitution p.Glu562Ala. To our knowledge, this variant has not been reported in the literature. This variant is reported in 0.11% of alleles in individuals of African descent in gnomAD. Although we suspect that this variant may be benign, at this time, the clinical significance of this variant is uncertain due to the absence of conclusive functional and genetic evidence.

Labcorp Genetics (formerly Invitae), Labcorp
Classification: Uncertain significance. Last evaluated: 2025-06-04. Review status: criteria provided, single submitter. Criteria: Invitae Variant Classification Sherloc (09022015). Collection method: clinical testing. Allele origin: germline.
Comment: This sequence change replaces glutamic acid, which is acidic and polar, with alanine, which is neutral and non-polar, at codon 562 of the IFT88 protein (p.Glu562Ala). This variant is present in population databases (rs139357654, gnomAD 0.1%), and has an allele count higher than expected for a pathogenic variant. This variant has not been reported in the literature in individuals affected with IFT88-related conditions. ClinVar contains an entry for this variant (Variation ID: 1511399). An algorithm developed to predict the effect of missense changes on protein structure and function (PolyPhen-2) suggests that this variant is likely to be tolerated. In summary, the available evidence is currently insufficient to determine the role of this variant in disease. Therefore, it has been classified as a Variant of Uncertain Significance.

Ambry Genetics
Classification: Uncertain significance. Last evaluated: 2023-09-14. Review status: criteria provided, single submitter. Criteria: Ambry Variant Classification Scheme 2023. Collection method: clinical testing. Allele origin: germline.

NM_006531.5(IFT88):c.1658A>C (p.Glu553Ala)

Gene: IFT88 (intraflagellar transport 88; plus strand). Cytogenetic location: 13q12.11.
Variant type: single nucleotide variant.
Coding change: c.1658A>C on transcript NM_006531.5 (MANE Select); coding-DNA position 1658, A replaced by C.
Protein change: p.Glu553Ala; replaces glutamic acid 553 with alanine.
Molecular consequence: missense variant. On other transcripts: non-coding transcript variant (4).
Genome position (GRCh38, 1-based): chr13:20,641,374, A>C. VCF-style: chr13-20641374-A-C. GRCh37 (hg19) VCF-style: chr13-21215513-A-C.
Other names: c.1601A>C, p.Glu534Ala (NM_001318491.2, NM_001353575.2); c.1685A>C, p.Glu562Ala (NM_001318493.2, NM_001353565.2, NM_001353566.2 and 2 more transcripts); c.1658A>C, p.Glu553Ala (NM_001353568.2, NM_001353572.2); c.1583A>C, p.Glu528Ala (NM_001353569.2, NM_001353570.2, NM_001353576.2 and 1 more transcripts); c.1556A>C, p.Glu519Ala (NM_001353571.2, NM_001353578.2); c.1514A>C, p.Glu505Ala (NM_001353573.2); c.1499A>C, p.Glu500Ala (NM_001353574.2); c.1025A>C, p.Glu342Ala (NM_001353579.2); and 1 more; short protein forms E500A, E528A, E534A, E342A, E519A, E553A, E562A, E505A.
Identifiers: ClinVar variation 1511399 (VCV001511399.8), dbSNP rs139357654, ClinGen allele CA6905489.